The following is an entry in ClinVar:

ClinVar aggregate classification (germline): Pathogenic (1 of 4 stars; one submission).

Conditions:
Autosomal recessive limb-girdle muscular dystrophy type 2A (LGMDR1). Also called: Calpainopathy; LEYDEN-MOEBIUS MUSCULAR DYSTROPHY; MUSCULAR DYSTROPHY, PELVOFEMORAL; Limb-girdle muscular dystrophy, type 2A; Muscular dystrophy, limb-girdle, type 2A, Amish. Identifiers: Orphanet 267, MedGen C1869123, MONDO:0009675, OMIM 253600. Disease mechanism: loss of function.

Submission:

Labcorp Genetics (formerly Invitae), Labcorp
Classification: Pathogenic for Autosomal recessive limb-girdle muscular dystrophy type 2A. Last evaluated: 2023-02-18. Review status: criteria provided, single submitter. Criteria: Invitae Variant Classification Sherloc (09022015). Collection method: clinical testing. Allele origin: germline.
Comment: For these reasons, this variant has been classified as Pathogenic. This variant has not been reported in the literature in individuals affected with CAPN3-related conditions. This variant is not present in population databases (gnomAD no frequency). This sequence change creates a premature translational stop signal (p.Asp403Thrfs*28) in the CAPN3 gene. It is expected to result in an absent or disrupted protein product. Loss-of-function variants in CAPN3 are known to be pathogenic (PMID: 10330340, 15689361).

Literature cited by the submitters: PubMed 10330340; PubMed 15689361.

NM_000070.3(CAPN3):c.1207_1216del (p.Asp403fs)

Gene: CAPN3 (calpain 3; plus strand). Cytogenetic location: 15q15.1.
Variant type: Deletion.
Coding change: c.1207_1216del on transcript NM_000070.3 (MANE Select); coding-DNA positions 1207 to 1216, 10 bases deleted (GATTTCATCT; older notation c.1207_1216delGATTTCATCT).
Protein change: p.Asp403fs; shifts the reading frame from aspartic acid 403.
Molecular consequence: frameshift variant.
Genome position (GRCh38, 1-based): chr15:42,399,505-42,399,514, GATTTCATCT deleted. VCF-style (leftmost placement, unchanged base first): chr15-42399504-GGATTTCATCT-G. GRCh37 (hg19) VCF-style: chr15-42691702-GGATTTCATCT-G.
Other names: c.1207_1216del, p.Asp403fs (NM_024344.2); c.1063_1072del, p.Asp355fs (NM_173087.2); c.946_955delGATTTCATCT, p.Asp316Thrfs (NM_212464.2); c.*900_*909delGATTTCATCT (NM_212467.2); short protein forms D355fs, D403fs.
Identifiers: ClinVar variation 2838815 (VCV002838815.3), dbSNP rs2548273864, ClinGen allele CA2739278150.